The following is an entry in ClinVar:

NM_024685.4(BBS10):c.1364A>T (p.Tyr455Phe)

Gene: BBS10 (Bardet-Biedl syndrome 10; minus strand). Cytogenetic location: 12q21.2.
Variant type: single nucleotide variant.
Coding change: c.1364A>T on transcript NM_024685.4 (MANE Select); coding-DNA position 1364, A replaced by T.
Protein change: p.Tyr455Phe; replaces tyrosine 455 with phenylalanine.
Molecular consequence: missense variant.
Genome position (GRCh38, 1-based): chr12:76,346,621, T>A on the plus strand (A>T on the coding strand, the complement: BBS10 is on the minus strand). VCF-style: chr12-76346621-T-A. GRCh37 (hg19) VCF-style: chr12-76740401-T-A.
Other names: short protein forms Y455F.
Identifiers: ClinVar variation 3349327 (VCV003349327.1).

ClinVar aggregate classification (germline): Uncertain significance (0 of 4 stars; one submission).

Conditions:
BBS10-related disorder. Also called: BBS10-related condition.

Submission:

PreventionGenetics, part of Exact Sciences
Classification: Uncertain significance for BBS10-related condition. Last evaluated: 2024-01-25. Review status: no assertion criteria provided. Collection method: clinical testing. Allele origin: germline.
Comment: The BBS10 c.1364A>T variant is predicted to result in the amino acid substitution p.Tyr455Phe. To our knowledge, this variant has not been reported in the literature or in a large population database, indicating this variant is rare. At this time, the clinical significance of this variant is uncertain due to the absence of conclusive functional and genetic evidence.